The following is an entry in ClinVar:

NM_005458.8(GABBR2):c.1520G>C (p.Arg507Pro)

Gene: GABBR2 (gamma-aminobutyric acid type B receptor subunit 2; minus strand). Cytogenetic location: 9q22.33.
Variant type: single nucleotide variant.
Coding change: c.1520G>C on transcript NM_005458.8 (MANE Select); coding-DNA position 1520, G replaced by C.
Protein change: p.Arg507Pro; replaces arginine 507 with proline.
Molecular consequence: missense variant.
Genome position (GRCh38, 1-based): chr9:98,388,863, C>G on the plus strand (G>C on the coding strand, the complement: GABBR2 is on the minus strand). VCF-style: chr9-98388863-C-G. GRCh37 (hg19) VCF-style: chr9-101151145-C-G.
Other names: short protein forms R507P.
Identifiers: ClinVar variation 950467 (VCV000950467.9), dbSNP rs772244503, ClinGen allele CA374211566.

ClinVar aggregate classification (germline): Uncertain significance (1 of 4 stars; one submission).

Conditions:
Epileptic encephalopathy. Identifiers: MedGen C0543888, HP:0200134.

Submission:

Labcorp Genetics (formerly Invitae), Labcorp
Classification: Uncertain significance for Epileptic encephalopathy. Last evaluated: 2021-07-09. Review status: criteria provided, single submitter. Criteria: Invitae Variant Classification Sherloc (09022015). Collection method: clinical testing. Allele origin: germline.
Comment: In summary, the available evidence is currently insufficient to determine the role of this variant in disease. Therefore, it has been classified as a Variant of Uncertain Significance. Algorithms developed to predict the effect of missense changes on protein structure and function are either unavailable or do not agree on the potential impact of this missense change (SIFT: "Deleterious"; PolyPhen-2: "Probably Damaging"; Align-GVGD: "Class C0"). This variant has not been reported in the literature in individuals with GABBR2-related conditions. This variant is not present in population databases (ExAC no frequency). This sequence change replaces arginine with proline at codon 507 of the GABBR2 protein (p.Arg507Pro). The arginine residue is highly conserved and there is a moderate physicochemical difference between arginine and proline.